The following is an entry in ClinVar:

NM_004525.3(LRP2):c.3786_3793dup (p.Ala1265fs)

Gene: LRP2 (LDL receptor related protein 2; minus strand). Cytogenetic location: 2q31.1.
Variant type: Duplication.
Coding change: c.3786_3793dup on transcript NM_004525.3 (MANE Select); coding-DNA positions 3786 to 3793, 8 bases duplicated (GCACAATG; older notation c.3786_3793dupGCACAATG).
Protein change: p.Ala1265fs; shifts the reading frame from alanine 1265.
Molecular consequence: frameshift variant.
Genome position (GRCh38, 1-based): chr2:169,241,240-169,241,247, CATTGTGC duplicated on the plus strand (GCACAATG on the coding strand, the reverse complement: LRP2 is on the minus strand). VCF-style (leftmost placement, unchanged base first): chr2-169241239-G-GCATTGTGC. GRCh37 (hg19) VCF-style: chr2-170097749-G-GCATTGTGC.
Other names: short protein forms A1265fs.
Identifiers: ClinVar variation 2845087 (VCV002845087.3), dbSNP rs2528375213, ClinGen allele CA2661821744.

ClinVar aggregate classification (germline): Pathogenic (1 of 4 stars; one submission).

Allele frequency attached by ClinVar (database versions not stated): gnomAD exomes below 0.00001.

Submission:

Labcorp Genetics (formerly Invitae), Labcorp
Classification: Pathogenic. Last evaluated: 2023-03-12. Review status: criteria provided, single submitter. Criteria: Invitae Variant Classification Sherloc (09022015). Collection method: clinical testing. Allele origin: germline.
Comment: For these reasons, this variant has been classified as Pathogenic. This variant has not been reported in the literature in individuals affected with LRP2-related conditions. This variant is not present in population databases (gnomAD no frequency). This sequence change creates a premature translational stop signal (p.Ala1265Glyfs*38) in the LRP2 gene. It is expected to result in an absent or disrupted protein product. Loss-of-function variants in LRP2 are known to be pathogenic (PMID: 17632512, 25682901).

Literature cited by the submitters: PubMed 17632512; PubMed 25682901.